The following is an entry in ClinVar:

ClinVar aggregate classification (germline): Pathogenic. Review status: criteria provided, multiple submitters, no conflicts (2 of 4 stars). 3 submissions from 3 submitters: Pathogenic (3). Last evaluated 2026-01-14.

Conditions:
Treacher Collins syndrome 1 (TCS1). Also called: TCOF1-Related Treacher Collins Syndrome. Identifiers: Orphanet 861, MedGen CN315775, MONDO:0007944, OMIM 154500.

Submissions (3):

Labcorp Genetics (formerly Invitae), Labcorp
Classification: Pathogenic for Treacher Collins syndrome 1. Last evaluated: 2026-01-14. Review status: criteria provided, single submitter. Criteria: Invitae Variant Classification Sherloc (09022015). Collection method: clinical testing. Allele origin: germline.
Comment: This sequence change creates a premature translational stop signal (p.Gly933Glufs*9) in the TCOF1 gene. It is expected to result in an absent or disrupted protein product. Loss-of-function variants in TCOF1 are known to be pathogenic (PMID: 8894686, 22317976). This variant is not present in population databases (gnomAD no frequency). This premature translational stop signal has been observed in individual(s) with Treacher Collins syndrome (PMID: 9096354). This variant is also known as 2565delAG. ClinVar contains an entry for this variant (Variation ID: 477617). For these reasons, this variant has been classified as Pathogenic.

GeneDx
Classification: Pathogenic. Last evaluated: 2023-01-19. Review status: criteria provided, single submitter. Criteria: GeneDx Variant Classification Process June 2021. Collection method: clinical testing. Allele origin: germline. Affected: yes.
Comment: Frameshift variant predicted to result in protein truncation or nonsense mediated decay in a gene for which loss-of-function is a known mechanism of disease; Not observed at a significant frequency in large population cohorts (gnomAD); This variant is associated with the following publications: (PMID: 9096354)

Johns Hopkins Genomics, Johns Hopkins University
Classification: Pathogenic for Treacher Collins syndrome 1. Last evaluated: 2020-08-12. Review status: criteria provided, single submitter. Criteria: ACMG Guidelines, 2015. Collection method: clinical testing. Allele origin: germline.

Literature cited by the submitters: PubMed 8894686 (cited by Labcorp Genetics (formerly Invitae), Labcorp); PubMed 22317976 (cited by Labcorp Genetics (formerly Invitae), Labcorp); PubMed 9096354 (cited by Labcorp Genetics (formerly Invitae), Labcorp and Johns Hopkins Genomics, Johns Hopkins University); PubMed 10982400 (cited by Johns Hopkins Genomics, Johns Hopkins University).

NM_001371623.1(TCOF1):c.2796_2797del (p.Gly933fs)

Gene: TCOF1 (treacle ribosome biogenesis factor 1; plus strand). Cytogenetic location: 5q32.
Variant type: Deletion.
Coding change: c.2796_2797del on transcript NM_001371623.1 (MANE Select); coding-DNA positions 2796 to 2797, 2 bases deleted (AG; older notation c.2796_2797delAG).
Protein change: p.Gly933fs; shifts the reading frame from glycine 933.
Molecular consequence: frameshift variant.
Genome position (GRCh38, 1-based): chr5:150,379,669-150,379,670, AG deleted. VCF-style (leftmost placement, unchanged base first): chr5-150379668-CAG-C. GRCh37 (hg19) VCF-style: chr5-149759231-CAG-C.
Other names: c.2796_2797delAG (NM_001135243.1); c.2565_2566del, p.Gly856fs (NM_000356.4, NM_001135245.2); c.2796_2797del, p.Gly933fs (NM_001008657.3, NM_001135243.2, NM_001135244.2 and 1 more transcripts); short protein forms G856fs, G933fs.
Identifiers: ClinVar variation 477617 (VCV000477617.13), dbSNP rs1554138819, ClinGen allele CA658657562.